The following is an entry in ClinVar:

ClinVar aggregate classification (germline): Uncertain significance (1 of 4 stars; one submission).

Conditions:
Glycogen storage disease IXa1. Also called: LIVER GLYCOGENOSIS, X-LINKED, TYPE I; GLYCOGEN STORAGE DISEASE VIII; GSD VIII; Glycogen storage disease 8. Identifiers: Orphanet 264580, MedGen C3694531, MONDO:0010598, OMIM 306000.

gnomAD v4.1: 6 of 1,198,898 alleles (0.0005%); highest among the groups gnomAD compares: Non-Finnish European, 0.00068%; no homozygotes.

Submissions (2):

OLLIN Analises Genomicas, OLLIN
Classification: Uncertain significance for Glycogen storage disease IXa1. Last evaluated: 2026-08-06. Review status: criteria provided, single submitter. Criteria: ACMG Guidelines 2015 PMID 25741868. Collection method: clinical testing. Allele origin: germline. Inheritance: X-linked inheritance.
Comment: This missense variant, located in exon 6 (of 33), has been reported in ClinVar (accession VCV004483168.1) and in gnomAD with an allele frequency of 0.0005005%. However, to our knowledge, it has not been reported in the scientific literature. In silico analysis predicts that this variant has a deleterious effect. According to the currently available evidence, this variant has been classified as uncertain significance (PM2_P, PP3_M).

Dr. Peter K. Rogan Lab, Western University
No classification provided (evidence only). Condition: Thyroid cancer, nonmedullary, 1. Review status: no classification provided. Collection method: in vitro. Allele origin: not applicable. Functional consequence: skipped exon, retained intron. Not counted in ClinVar's aggregate classification.

NM_000292.3(PHKA2):c.596C>T (p.Ala199Val)

Gene: PHKA2 (phosphorylase kinase regulatory subunit alpha 2; minus strand). Cytogenetic location: Xp22.13.
Variant type: single nucleotide variant.
Coding change: c.596C>T on transcript NM_000292.3 (MANE Select); coding-DNA position 596, C replaced by T.
Protein change: p.Ala199Val; replaces alanine 199 with valine.
Molecular consequence: missense variant.
Genome position (GRCh38, 1-based): chrX:18,945,100, G>A on the plus strand (C>T on the coding strand, the complement: PHKA2 is on the minus strand). VCF-style: chrX-18945100-G-A. GRCh37 (hg19) VCF-style: chrX-18963218-G-A.
Other names: NC_000023.10:g.18963218G>A; c.596C>T, p.Ala199Val (NM_001440800.1, NM_001440801.1, NM_001440802.1 and 3 more transcripts); short protein forms A199V.
Identifiers: ClinVar variation 4483168 (VCV004483168.2).
Genomic context (GRCh38, chrX:18,945,100, plus strand): 5'-AAACATGCAGAAGGAAGAACAAACAGGACAACTGTCACCTTGGCCATTCCTACGGAGCTT[G>A]CATTCAATTCCGGGATGCCCTGATTAGTCTTATCTCCACGCTCCCACATTCCATAATCCT-3'
Protein context (NP_000283.1, residues 189-209): KTNQGIPELN[Ala199Val]SSVGMAKAAL